The following is an entry in ClinVar:

ClinVar aggregate classification (germline): Uncertain significance (1 of 4 stars; one submission).

Conditions:
Hereditary spastic paraplegia 11. Also called: Spastic Paraplegia 11; SPASTIC PARAPLEGIA, AUTOSOMAL RECESSIVE, COMPLICATED, WITH THIN CORPUS CALLOSUM; SPASTIC PARAPLEGIA, AUTOSOMAL RECESSIVE, WITH MENTAL IMPAIRMENT AND THIN CORPUS CALLOSUM; Spastic paraplegia, mental retardation and thin corpus callosum; Nakamura Osame syndrome; Autosomal recessive hereditary spastic paraplegia, mental impairment, and thin corpus callosum. Identifiers: Orphanet 2822, MedGen C1858479, MONDO:0011445, OMIM 604360.

Allele frequency attached by ClinVar (database versions not stated): TOPMed below 0.00001; gnomAD 0.00001; ExAC 0.00002; gnomAD exomes 0.00002.
gnomAD v4.1: 33 of 1,613,956 alleles (0.002%); highest among the groups gnomAD compares: Non-Finnish European, 0.0025%; no homozygotes.

Submission:

Labcorp Genetics (formerly Invitae), Labcorp
Classification: Uncertain significance for Hereditary spastic paraplegia 11. Last evaluated: 2022-06-26. Review status: criteria provided, single submitter. Criteria: Invitae Variant Classification Sherloc (09022015). Collection method: clinical testing. Allele origin: germline.
Comment: This sequence change replaces asparagine, which is neutral and polar, with aspartic acid, which is acidic and polar, at codon 1971 of the SPG11 protein (p.Asn1971Asp). This variant is present in population databases (rs1058877, gnomAD 0.003%). This variant has not been reported in the literature in individuals affected with SPG11-related conditions. Algorithms developed to predict the effect of missense changes on protein structure and function output the following: SIFT: "Tolerated"; PolyPhen-2: "Benign"; Align-GVGD: "Class C0". The aspartic acid amino acid residue is found in multiple mammalian species, which suggests that this missense change does not adversely affect protein function. In summary, the available evidence is currently insufficient to determine the role of this variant in disease. Therefore, it has been classified as a Variant of Uncertain Significance.

NM_025137.4(SPG11):c.5911A>G (p.Asn1971Asp)

Gene: SPG11 (SPG11 vesicle trafficking associated, spatacsin; minus strand). Cytogenetic location: 15q21.1.
Variant type: single nucleotide variant.
Coding change: c.5911A>G on transcript NM_025137.4 (MANE Select); coding-DNA position 5911, A replaced by G.
Protein change: p.Asn1971Asp; replaces asparagine 1971 with aspartic acid.
Molecular consequence: missense variant. On other transcripts: intron variant (1).
Genome position (GRCh38, 1-based): chr15:44,574,997, T>C on the plus strand (A>G on the coding strand, the complement: SPG11 is on the minus strand). VCF-style: chr15-44574997-T-C. GRCh37 (hg19) VCF-style: chr15-44867195-T-C.
Other names: c.5767A>G, p.Asn1923Asp (NM_001411132.1); c.5867-2177A>G (NM_001160227.2); short protein forms N1971D, N1923D.
Identifiers: ClinVar variation 2200945 (VCV002200945.1), dbSNP rs1058877, ClinGen allele CA7534307.